The following is an entry in ClinVar:

ClinVar aggregate classification (germline): Likely benign. Review status: criteria provided, multiple submitters, no conflicts (2 of 4 stars). 2 submissions from 2 submitters: Likely benign (2). Last evaluated 2024-07-01.

gnomAD v4.1: 3 of 1,613,914 alleles (0.00019%); highest among the groups gnomAD compares: Non-Finnish European, 0.00025%; no homozygotes.

Submissions (2):

CeGaT Center for Human Genetics Tuebingen
Classification: Likely benign. Last evaluated: 2024-07-01. Review status: criteria provided, single submitter. Criteria: CeGaT Center For Human Genetics Tuebingen Variant Classification Criteria Version 2. Collection method: clinical testing. Allele origin: germline. Affected: yes. Observed: 1 variant allele.
Comment: CA8: BP4, BP7

Blueprint Genetics
Classification: Likely benign. Last evaluated: 2024-01-23. Review status: criteria provided, single submitter. Criteria: ACMG Guidelines, 2015. Collection method: clinical testing. Allele origin: germline.

NM_004056.6(CA8):c.168A>G (p.Ser56=)

Gene: CA8 (carbonic anhydrase 8 (inactive); minus strand). Cytogenetic location: 8q12.1.
Variant type: single nucleotide variant.
Coding change: c.168A>G on transcript NM_004056.6 (MANE Select); coding-DNA position 168, A replaced by G.
Protein change: p.Ser56=; no amino-acid change (serine 56 retained).
Molecular consequence: synonymous variant. On other transcripts: non-coding transcript variant (1).
Genome position (GRCh38, 1-based): chr8:60,279,813, T>C on the plus strand (A>G on the coding strand, the complement: CA8 is on the minus strand). VCF-style: chr8-60279813-T-C. GRCh37 (hg19) VCF-style: chr8-61192372-T-C.
Other names: c.168A>G, p.Ser56= (NM_001321839.2, NM_001321837.2, NM_001321838.2).
Identifiers: ClinVar variation 3257436 (VCV003257436.18).